The following is an entry in ClinVar:

ClinVar aggregate classification (germline): Conflicting classifications of pathogenicity. Review status: criteria provided, conflicting classifications (1 of 4 stars). 3 submissions from 3 submitters: Uncertain significance (1); Likely benign (2). Last evaluated 2024-11-26.

Conditions:
VATER association. Also called: VACTERL/vater association; Vacterl association. Identifiers: Orphanet 887, MedGen C4225671, MONDO:0008642, OMIM 192350.

Allele frequency attached by ClinVar (database versions not stated): ESP Exome Variant Server 0.00016; 1000 Genomes Project 0.00020; ExAC 0.00028; 1000 Genomes Project 30x 0.00047.
gnomAD v4.1: 1,238 of 1,549,460 alleles (0.08%); highest among the groups gnomAD compares: Non-Finnish European, 0.099%; 1 homozygote.

Submissions (3):

Blueprint Genetics
Classification: Likely benign. Last evaluated: 2024-11-26. Review status: criteria provided, single submitter. Criteria: ACMG Guidelines, 2015. Collection method: clinical testing. Allele origin: germline.

Labcorp Genetics (formerly Invitae), Labcorp
Classification: Uncertain significance. Last evaluated: 2024-06-04. Review status: criteria provided, single submitter. Criteria: Invitae Variant Classification Sherloc (09022015). Collection method: clinical testing. Allele origin: germline.
Comment: This sequence change replaces alanine, which is neutral and non-polar, with glutamic acid, which is acidic and polar, at codon 98 of the PDE3A protein (p.Ala98Glu). The frequency data for this variant in the population databases is considered unreliable, as metrics indicate poor data quality at this position in the gnomAD database. This variant has not been reported in the literature in individuals affected with PDE3A-related conditions. ClinVar contains an entry for this variant (Variation ID: 2060680). Algorithms developed to predict the effect of missense changes on protein structure and function output the following: SIFT: "Not Available"; PolyPhen-2: "Benign"; Align-GVGD: "Not Available". The glutamic acid amino acid residue is found in multiple mammalian species, which suggests that this missense change does not adversely affect protein function. In summary, the available evidence is currently insufficient to determine the role of this variant in disease. Therefore, it has been classified as a Variant of Uncertain Significance.

Cambridge Genomics Laboratory, East Genomic Laboratory Hub, NHS Genomic Medicine Service
Classification: Likely benign for VATER association. Last evaluated: 2020-03-30. Review status: criteria provided, single submitter. Criteria: ACGS Best Practice Guidelines for Variant Classification in Rare Disease 2020. Collection method: clinical testing. Allele origin: germline. Affected: yes. Observed: 1 variant allele.

NM_000921.5(PDE3A):c.293C>A (p.Ala98Glu)

Genes: PDE3A (phosphodiesterase 3A; plus strand), PDE3A-AS1 (PDE3A antisense RNA 1; minus strand), LOC124625920 (Sharpr-MPRA regulatory region 8059; plus strand). Cytogenetic location: 12p12.2.
Variant type: single nucleotide variant.
Coding change: c.293C>A on transcript NM_000921.5 (MANE Select); coding-DNA position 293, C replaced by A.
Protein change: p.Ala98Glu; replaces alanine 98 with glutamic acid.
Molecular consequence: missense variant. On other transcripts: 5 prime UTR variant (1).
Genome position (GRCh38, 1-based): chr12:20,369,577, C>A. VCF-style: chr12-20369577-C-A. GRCh37 (hg19) VCF-style: chr12-20522511-C-A.
Other names: c.293C>A, p.Ala98Glu (NM_001378407.1); c.-736C>A (NM_001378408.1); short protein forms A98E.
Identifiers: ClinVar variation 2060680 (VCV002060680.5), dbSNP rs200052001, ClinGen allele CA6473381.